The following is an entry in ClinVar:

ClinVar aggregate classification (germline): Pathogenic (1 of 4 stars; one submission).

Conditions:
O'Donnell-Luria-Rodan syndrome (ODLURO). Also called: KMT2E-Related Neurodevelopmental Disorder. Identifiers: MedGen C5193138, MONDO:0032793, OMIM 618512.

Submission:

Translational Cytogenomics Research Unit, Bambino Gesu Children Hospital
Classification: Pathogenic for O'Donnell-Luria-Rodan syndrome. Last evaluated: 2024-11-12. Review status: criteria provided, single submitter. Criteria: ACMG Guidelines, 2015. Collection method: clinical testing. Allele origin: de novo. Affected: yes.
Comment: Null variant (frame-shift) in gene KMT2E, predicted to cause NMD. Loss-of-function is a known mechanism of disease (gene has 104 reported pathogenic LOF variants). The exon contains 5 pathogenic variants. The truncated region contains 101 pathogenic variants. ACMG Criteria PVS1, PM2, PS2

NM_182931.3(KMT2E):c.923del (p.Gly308fs)

Gene: KMT2E (lysine methyltransferase 2E (inactive); plus strand). Cytogenetic location: 7q22.3.
Variant type: Deletion.
Coding change: c.923del on transcript NM_182931.3 (MANE Select); coding-DNA position 923, one base deleted (G; older notation c.923delG).
Protein change: p.Gly308fs; shifts the reading frame from glycine 308.
Molecular consequence: frameshift variant.
Genome position (GRCh38, 1-based): chr7:105,077,117, G deleted; the last of 2 consecutive G bases (chr7:105,077,116-105,077,117); deleting either gives the same sequence. VCF-style (leftmost placement, unchanged base first): chr7-105077115-AG-A. GRCh37 (hg19) VCF-style: chr7-104717562-AG-A.
Other names: c.922delG (NM_018682.4); c.923del, p.Gly308fs (NM_001410908.1, NM_018682.4); short protein forms G308fs.
Identifiers: ClinVar variation 3376545 (VCV003376545.2).
Genomic context (GRCh38, chr7:105,077,115, plus strand): 5'-AAATAACAACCAGTACAGTGAGGGTGTTCAGAGGGAGGCACAAAGAATAGCTCTGAGATT[AG>A]GCAATGGAAATGACAAAAAAGAGATGAATAAATCCGATTTGAATACCAACAATTTGCTCT-3'